The following is an entry in ClinVar:

NM_007055.4(POLR3A):c.26C>T (p.Thr9Met)

Gene: POLR3A (RNA polymerase III subunit A; minus strand). Cytogenetic location: 10q22.3.
Variant type: single nucleotide variant.
Coding change: c.26C>T on transcript NM_007055.4 (MANE Select); coding-DNA position 26, C replaced by T.
Protein change: p.Thr9Met; replaces threonine 9 with methionine.
Molecular consequence: missense variant.
Genome position (GRCh38, 1-based): chr10:78,029,382, G>A on the plus strand (C>T on the coding strand, the complement: POLR3A is on the minus strand). VCF-style: chr10-78029382-G-A. GRCh37 (hg19) VCF-style: chr10-79789140-G-A.
Other names: short protein forms T9M.
Identifiers: ClinVar variation 4738860 (VCV004738860.1).

ClinVar aggregate classification (germline): Uncertain significance (1 of 4 stars; one submission).

gnomAD v4.1: 3 of 1,613,930 alleles (0.00019%); highest among the groups gnomAD compares: East Asian, 0.0022%; no homozygotes.

Submission:

Labcorp Genetics (formerly Invitae), Labcorp
Classification: Uncertain significance. Last evaluated: 2025-07-09. Review status: criteria provided, single submitter. Criteria: Invitae Variant Classification Sherloc (09022015). Collection method: clinical testing. Allele origin: germline.
Comment: This sequence change replaces threonine, which is neutral and polar, with methionine, which is neutral and non-polar, at codon 9 of the POLR3A protein (p.Thr9Met). This variant is present in population databases (rs750885322, gnomAD 0.0009%). This variant has not been reported in the literature in individuals affected with POLR3A-related conditions. Invitae Evidence Modeling of protein sequence and biophysical properties (such as structural, functional, and spatial information, amino acid conservation, physicochemical variation, residue mobility, and thermodynamic stability) has been performed for this missense variant. However, the output from this modeling did not meet the statistical confidence thresholds required to predict the impact of this variant on POLR3A protein function. In summary, the available evidence is currently insufficient to determine the role of this variant in disease. Therefore, it has been classified as a Variant of Uncertain Significance.